The following is an entry in ClinVar:

ClinVar aggregate classification (germline): Conflicting classifications of pathogenicity. Review status: criteria provided, conflicting classifications (1 of 4 stars). 4 submissions from 4 submitters: Uncertain significance (1); Benign (1); Likely benign (2). Last evaluated 2024-11-27.

Conditions:
Familial thoracic aortic aneurysm and aortic dissection (TAAD). Also called: Thoracic aortic aneurysms and dissections. Identifiers: Orphanet 91387, MedGen C4707243, MONDO:0019625.

Allele frequency attached by ClinVar (database versions not stated): TOPMed 0.00009; gnomAD 0.00014; gnomAD exomes 0.00023; ExAC 0.00025.

Submissions (4):

Blueprint Genetics
Classification: Likely benign. Last evaluated: 2024-11-27. Review status: criteria provided, single submitter. Criteria: ACMG Guidelines, 2015. Collection method: clinical testing. Allele origin: germline.

Women's Health and Genetics/Laboratory Corporation of America, LabCorp
Classification: Benign. Last evaluated: 2024-07-21. Review status: criteria provided, single submitter. Criteria: LabCorp Variant Classification Summary - May 2015. Collection method: clinical testing. Allele origin: germline.

GeneDx
Classification: Likely benign. Last evaluated: 2019-08-19. Review status: criteria provided, single submitter. Criteria: GeneDx Variant Classification Process June 2021. Collection method: clinical testing. Allele origin: germline. Affected: yes.

Ambry Genetics
Classification: Uncertain significance for Familial thoracic aortic aneurysm and aortic dissection. Last evaluated: 2015-11-09. Review status: criteria provided, single submitter. Criteria: Ambry Variant Classification Scheme 2023. Collection method: clinical testing. Allele origin: germline.
Comment: The c.*5C>T variant is located in the 3' untranslated region (3&rsquo; UTR) of the NOTCH1 gene. This variant results from a C to T substitution five bases downstream of the last translated codon. This variant was not reported in population based cohorts in the following databases: Database of Single Nucleotide Polymorphisms (dbSNP), NHLBI Exome Sequencing Project (ESP), and 1000 Genomes Project. In the ESP, this variant was not observed in 6004 samples (12008 alleles) with coverage at this position. This nucleotide position is poorly conserved in available vertebrate species. Since supporting evidence is limited at this time, the clinical significance of this variant remains unclear.

Literature cited by the submitters: PubMed 24943832 (cited by Women's Health and Genetics/Laboratory Corporation of America, LabCorp); PubMed 16614245 (cited by Women's Health and Genetics/Laboratory Corporation of America, LabCorp); PubMed 21670202 (cited by Women's Health and Genetics/Laboratory Corporation of America, LabCorp); PubMed 22210878 (cited by Women's Health and Genetics/Laboratory Corporation of America, LabCorp); PubMed 19635999 (cited by Women's Health and Genetics/Laboratory Corporation of America, LabCorp); PubMed 26837699 (cited by Women's Health and Genetics/Laboratory Corporation of America, LabCorp); PubMed 23086750 (cited by Women's Health and Genetics/Laboratory Corporation of America, LabCorp); PubMed 19245433 (cited by Women's Health and Genetics/Laboratory Corporation of America, LabCorp); PubMed 22077063 (cited by Women's Health and Genetics/Laboratory Corporation of America, LabCorp); PubMed 15472075 (cited by Women's Health and Genetics/Laboratory Corporation of America, LabCorp); PubMed 23734977 (cited by Women's Health and Genetics/Laboratory Corporation of America, LabCorp); PubMed 22858860 (cited by Women's Health and Genetics/Laboratory Corporation of America, LabCorp).

NM_017617.5(NOTCH1):c.*5C>T

Gene: NOTCH1 (notch receptor 1; minus strand). Cytogenetic location: 9q34.3.
Variant type: single nucleotide variant.
Coding change: c.*5C>T on transcript NM_017617.5 (MANE Select); 5 bases downstream of the stop codon, C replaced by T.
Molecular consequence: 3 prime UTR variant.
Genome position (GRCh38, 1-based): chr9:136,496,066, G>A on the plus strand (C>T on the coding strand, the complement: NOTCH1 is on the minus strand). VCF-style: chr9-136496066-G-A. GRCh37 (hg19) VCF-style: chr9-139390518-G-A.
Other names: c.*5C>T (LRG_1122t1).
Identifiers: ClinVar variation 264503 (VCV000264503.9), dbSNP rs746945124, ClinGen allele CA5339631.